The following is an entry in ClinVar:

NM_016616.5(NME8):c.1269G>A (p.Met423Ile)

Gene: NME8 (NME/NM23 family member 8; plus strand). Cytogenetic location: 7p14.1.
Variant type: single nucleotide variant.
Coding change: c.1269G>A on transcript NM_016616.5 (MANE Select); coding-DNA position 1269, G replaced by A.
Protein change: p.Met423Ile; replaces methionine 423 with isoleucine.
Molecular consequence: missense variant.
Genome position (GRCh38, 1-based): chr7:37,888,298, G>A. VCF-style: chr7-37888298-G-A. GRCh37 (hg19) VCF-style: chr7-37927900-G-A.
Other names: short protein forms M423I.
Identifiers: ClinVar variation 536825 (VCV000536825.12), dbSNP rs761626831, ClinGen allele CA4222487.
Genomic context (GRCh38, chr7:37,888,298, plus strand): 5'-CTGTTCTAATAGCTTTTAAACCTGACTTCTTTTTCAAAGTTTATGTGCACAGTTTGCGAT[G>A]GACAGTTTGCCGGTCAACCAGTTGTATGGCAGCGATTCATTAGAAACCGCTGAAAGGGAA-3'
Protein context (NP_057700.3, residues 413-433): FPESLCAQFA[Met423Ile]DSLPVNQLYG

ClinVar aggregate classification (germline): Uncertain significance. Review status: criteria provided, multiple submitters, no conflicts (2 of 4 stars). 3 submissions from 3 submitters: Uncertain significance (3). Last evaluated 2026-09-22.

Conditions:
Primary ciliary dyskinesia 6. Also called: Primary Ciliary Dyskinesia 6: TXNDC3-Related Primary Ciliary Dyskinesia. Identifiers: Orphanet 244, MedGen C1970506, MONDO:0012571, OMIM 610852.
NME8-related disorder. Also called: NME8-related condition.
Primary ciliary dyskinesia. Also called: Ciliary dyskinesia. Identifiers: Orphanet 244, MedGen C0008780, MONDO:0016575, HP:0012265.

Allele frequency attached by ClinVar (database versions not stated): gnomAD 0.00004; gnomAD exomes 0.00004 and 0.00007; TOPMed 0.00005; ExAC 0.00006.
gnomAD v4.1: 29 of 1,613,390 alleles (0.0018%); highest among the groups gnomAD compares: Admixed American, 0.048%; no homozygotes.

Submissions (3):

PreventionGenetics, part of Exact Sciences
Classification: Uncertain significance for NME8-related condition. Last evaluated: 2026-09-22. Review status: criteria provided, single submitter. Criteria: ACMG Guidelines, 2015. Collection method: clinical testing. Allele origin: germline.
Comment: The NME8 c.1269G>A variant is predicted to result in the amino acid substitution p.Met423Ile. To our knowledge, this variant has not been reported in the literature. This variant is reported in 0.048% of alleles in individuals of Latino descent in gnomAD. At this time, the clinical significance of this variant is uncertain due to the absence of conclusive functional and genetic evidence.

Labcorp Genetics (formerly Invitae), Labcorp
Classification: Uncertain significance for Primary ciliary dyskinesia 6. Last evaluated: 2026-01-19. Review status: criteria provided, single submitter. Criteria: Invitae Variant Classification Sherloc (09022015). Collection method: clinical testing. Allele origin: germline.
Comment: This sequence change replaces methionine, which is neutral and non-polar, with isoleucine, which is neutral and non-polar, at codon 423 of the NME8 protein (p.Met423Ile). This variant is present in population databases (rs761626831, gnomAD 0.05%). This variant has not been reported in the literature in individuals affected with NME8-related conditions. ClinVar contains an entry for this variant (Variation ID: 536825). Invitae Evidence Modeling of protein sequence and biophysical properties (such as structural, functional, and spatial information, amino acid conservation, physicochemical variation, residue mobility, and thermodynamic stability) indicates that this missense variant is not expected to disrupt NME8 protein function with a negative predictive value of 80%. In summary, the available evidence is currently insufficient to determine the role of this variant in disease. Therefore, it has been classified as a Variant of Uncertain Significance.

Ambry Genetics
Classification: Uncertain significance for Primary ciliary dyskinesia. Last evaluated: 2014-07-17. Review status: criteria provided, single submitter. Criteria: Ambry Variant Classification Scheme 2023. Collection method: clinical testing. Allele origin: germline.
Comment: The p.M423I variant (also known as c.1269G>A), located in coding exon 13 of the TXNDC3 gene, results from a G to A substitution at nucleotide position 1269. The methionine at codon 423 is replaced by isoleucine, an amino acid with highly similar properties. This variant was not reported in population based cohorts in the following databases: Database of Single Nucleotide Polymorphisms (dbSNP), NHLBI Exome Sequencing Project (ESP), and 1000 Genomes Project. In the ESP, this variant was not observed in 6503 samples (13006 alleles) with coverage at this position. This amino acid position is poorly conserved in available vertebrate species. In addition, this alteration is predicted to be tolerated by in silico analysis. Since supporting evidence for this variant is limited at this time, its clinical significance remains unclear.